The following is an entry in ClinVar:

NM_173076.3(ABCA12):c.1601C>T (p.Pro534Leu)

Gene: ABCA12 (ATP binding cassette subfamily A member 12; minus strand). Cytogenetic location: 2q35.
Variant type: single nucleotide variant.
Coding change: c.1601C>T on transcript NM_173076.3 (MANE Select); coding-DNA position 1601, C replaced by T.
Protein change: p.Pro534Leu; replaces proline 534 with leucine.
Molecular consequence: missense variant. On other transcripts: non-coding transcript variant (1).
Genome position (GRCh38, 1-based): chr2:215,019,392, G>A on the plus strand (C>T on the coding strand, the complement: ABCA12 is on the minus strand). VCF-style: chr2-215019392-G-A. GRCh37 (hg19) VCF-style: chr2-215884116-G-A.
Other names: c.647C>T, p.Pro216Leu (NM_015657.4); short protein forms P216L, P534L.
Identifiers: ClinVar variation 2312490 (VCV002312490.3), dbSNP rs760080854, ClinGen allele CA2092193.

ClinVar aggregate classification (germline): Conflicting classifications of pathogenicity. Review status: criteria provided, conflicting classifications (1 of 4 stars). 2 submissions from 2 submitters: Uncertain significance (1); Likely benign (1). Last evaluated 2025-04-24.

Conditions:
Inborn genetic diseases. Identifiers: MedGen C0950123, MeSH D030342.
ABCA12-related disorder. Also called: ABCA12-related condition.

Allele frequency attached by ClinVar (database versions not stated): gnomAD exomes 0.00001; TOPMed 0.00001; ExAC 0.00002.
gnomAD v4.1: 15 of 1,613,382 alleles (0.00093%); highest among the groups gnomAD compares: South Asian, 0.0044%; no homozygotes.

Submissions (2):

PreventionGenetics, part of Exact Sciences
Classification: Uncertain significance for ABCA12-related condition. Last evaluated: 2025-04-24. Review status: criteria provided, single submitter. Criteria: ACMG Guidelines, 2015. Collection method: clinical testing. Allele origin: germline.
Comment: The ABCA12 c.1601C>T variant is predicted to result in the amino acid substitution p.Pro534Leu. This variant has been observed in a cohort of individuals diagnosed with intrahepatic cholestasis of pregnancy (Liu et al. 2022. PubMed ID: 36046230). This variant is reported in 0.0065% of alleles in individuals of South Asian descent in gnomAD. At this time, the clinical significance of this variant is uncertain due to the absence of conclusive functional and genetic evidence.

Ambry Genetics
Classification: Likely benign for Inborn genetic diseases. Last evaluated: 2022-09-14. Review status: criteria provided, single submitter. Criteria: Ambry Variant Classification Scheme 2023. Collection method: clinical testing. Allele origin: germline.